The following is an entry in ClinVar:

ClinVar aggregate classification (germline): Conflicting classifications of pathogenicity. Review status: criteria provided, conflicting classifications (1 of 4 stars). 2 submissions from 2 submitters: Uncertain significance (1); Likely benign (1). Last evaluated 2025-01-20.

Conditions:
Inborn genetic diseases. Identifiers: MedGen C0950123, MeSH D030342.

gnomAD v4.1: 1 of 1,613,396 alleles (0.000062%); highest among the groups gnomAD compares: Non-Finnish European, 0.000085%; no homozygotes.

Submissions (2):

Ambry Genetics
Classification: Likely benign for Inborn genetic diseases. Last evaluated: 2025-01-20. Review status: criteria provided, single submitter. Criteria: Ambry Variant Classification Scheme 2023. Collection method: clinical testing. Allele origin: germline.

GeneDx
Classification: Uncertain significance. Last evaluated: 2023-11-03. Review status: criteria provided, single submitter. Criteria: GeneDx Variant Classification Process June 2021. Collection method: clinical testing. Allele origin: germline. Affected: yes.
Comment: Not observed at significant frequency in large population cohorts (gnomAD); In silico analysis supports that this variant does not alter splicing; Has not been previously published as pathogenic or benign to our knowledge

NM_014915.3(ANKRD26):c.867G>A (p.Arg289=)

Gene: ANKRD26 (ankyrin repeat domain containing 26; minus strand). Cytogenetic location: 10p12.1.
Variant type: single nucleotide variant.
Coding change: c.867G>A on transcript NM_014915.3 (MANE Select); coding-DNA position 867, G replaced by A.
Protein change: p.Arg289=; no amino-acid change (arginine 289 retained).
Molecular consequence: synonymous variant.
Genome position (GRCh38, 1-based): chr10:27,077,640, C>T on the plus strand (G>A on the coding strand, the complement: ANKRD26 is on the minus strand). VCF-style: chr10-27077640-C-T. GRCh37 (hg19) VCF-style: chr10-27366569-C-T.
Other names: c.867G>A, p.Arg289= (NM_001256053.2).
Identifiers: ClinVar variation 3363869 (VCV003363869.2).